The following is an entry in ClinVar:

NM_139125.4(MASP1):c.1780G>A (p.Gly594Ser)

Gene: MASP1 (MBL associated serine protease 1; minus strand). Cytogenetic location: 3q27.3.
Variant type: single nucleotide variant.
Coding change: c.1780G>A on transcript NM_139125.4 (MANE Select); coding-DNA position 1780, G replaced by A.
Protein change: p.Gly594Ser; replaces glycine 594 with serine.
Molecular consequence: missense variant. On other transcripts: non-coding transcript variant (1), intron variant (1).
Genome position (GRCh38, 1-based): chr3:187,236,091, C>T on the plus strand (G>A on the coding strand, the complement: MASP1 is on the minus strand). VCF-style: chr3-187236091-C-T. GRCh37 (hg19) VCF-style: chr3-186953879-C-T.
Other names: c.1303+5390G>A (NM_001879.6); short protein forms G594S.
Identifiers: ClinVar variation 1285538 (VCV001285538.1), dbSNP rs2108513487, ClinGen allele CA355733457.
Genomic context (GRCh38, chr3:187,236,091, plus strand): 5'-ACAAGGTCCGTGTGCCACTGCTGATGATCTCATCCACTGTCACATTGGGATTGGAGATGC[C>T]CCAGCCGGCCACCAGGCCCAGCATGTGGGGGGCCGGGCCTTCAGGCTCAAGCCTTGGCAG-3'
Protein context (NP_624302.1, residues 584-604): PHMLGLVAGW[Gly594Ser]ISNPNVTVDE

ClinVar aggregate classification (germline): Uncertain significance (1 of 4 stars; one submission).

Conditions:
3MC syndrome 1. Also called: MICHELS SYNDROME; CRANIOSYNOSTOSIS WITH LID ANOMALIES; OCULOPALATOSKELETAL SYNDROME. Identifiers: Orphanet 293843, MedGen C0796059, MONDO:0009770, OMIM 257920.

Submission:

Institute of Human Genetics, University of Leipzig Medical Center
Classification: Uncertain significance for 3MC syndrome 1. Last evaluated: 2020-09-08. Review status: criteria provided, single submitter. Criteria: ACMG Guidelines, 2015. Collection method: clinical testing. Allele origin: unknown. Affected: yes.
Comment: This variant was identified as homozygous.